The following is an entry in ClinVar:

ClinVar aggregate classification (germline): Uncertain significance. Review status: criteria provided, multiple submitters, no conflicts (2 of 4 stars). 4 submissions from 4 submitters: Uncertain significance (4). Last evaluated 2026-01-19.

Conditions:
Primary familial hypertrophic cardiomyopathy (HCM). Identifiers: Orphanet 99739, MedGen C0949658, MeSH D024741, MONDO:0024573. Inheritance: Various modes of inheritance.
Cardiomyopathy (CMYO). Also called: Cardiomyopathies. Identifiers: Orphanet 167848, MedGen C0878544, MONDO:0004994, HP:0001638. Inheritance: Various modes of inheritance.
Lethal congenital glycogen storage disease of heart. Also called: GLYCOGEN STORAGE DISEASE OF HEART; PHOSPHORYLASE KINASE DEFICIENCY OF HEART. Identifiers: Orphanet 439854, MedGen C1849813, MONDO:0009867, OMIM 261740.
Primary dilated cardiomyopathy (DCM). Also called: Dilated Cardiomyopathy. Identifiers: Orphanet 217604, MedGen C0007193, MeSH D002311, MONDO:0005021, HP:0001644. Inheritance: Various modes of inheritance.

Allele frequency attached by ClinVar (database versions not stated): gnomAD exomes below 0.00001 and 0.00001; TOPMed 0.00002.
gnomAD v4.1: 24 of 1,614,030 alleles (0.0015%); highest among the groups gnomAD compares: Non-Finnish European, 0.0018%; 1 homozygote.

Submissions (4):

Labcorp Genetics (formerly Invitae), Labcorp
Classification: Uncertain significance for Lethal congenital glycogen storage disease of heart. Last evaluated: 2026-01-19. Review status: criteria provided, single submitter. Criteria: Invitae Variant Classification Sherloc (09022015). Collection method: clinical testing. Allele origin: germline.
Comment: This sequence change replaces alanine, which is neutral and non-polar, with proline, which is neutral and non-polar, at codon 561 of the PRKAG2 protein (p.Ala561Pro). This variant is present in population databases (rs61744760, gnomAD 0.0009%). This variant has not been reported in the literature in individuals affected with PRKAG2-related conditions. ClinVar contains an entry for this variant (Variation ID: 520490). Invitae Evidence Modeling of protein sequence and biophysical properties (such as structural, functional, and spatial information, amino acid conservation, physicochemical variation, residue mobility, and thermodynamic stability) indicates that this missense variant is not expected to disrupt PRKAG2 protein function with a negative predictive value of 95%. In summary, the available evidence is currently insufficient to determine the role of this variant in disease. Therefore, it has been classified as a Variant of Uncertain Significance.

Color Diagnostics, LLC DBA Color Health
Classification: Uncertain significance for Cardiomyopathy. Last evaluated: 2025-06-11. Review status: criteria provided, single submitter. Criteria: ACMG Guidelines, 2015. Collection method: clinical testing. Allele origin: germline.
Comment: This missense variant replaces alanine with proline at codon 561 of the PRKAG2 protein. Computational prediction suggests that this variant may not impact protein structure and function. To our knowledge, functional studies have not been reported for this variant. This variant has been reported in an individual affected with dilated cardiomyopathy (PMID: 35581137). This variant has been identified in 1/249310 chromosomes in the general population by the Genome Aggregation Database (gnomAD). The available evidence is insufficient to determine the role of this variant in disease conclusively. Therefore, this variant is classified as a Variant of Uncertain Significance.

Loeys Lab, Universiteit Antwerpen
Classification: Uncertain significance for Primary dilated cardiomyopathy. Last evaluated: 2021-02-26. Review status: criteria provided, single submitter. Criteria: ACMG Guidelines, 2015. Collection method: clinical testing. Allele origin: somatic. Affected: yes. Observed: 1 variant allele, 1 heterozygote.
Comment: This sequence change results in a missense variant in the PRKAG2 gene (p.(Ala561Pro)). This variant is present in population databases with a prevalence 1/249310in GnomAD). The variant has not been described before. The variant affects a moderately conserved nucleotide and weakly conserved amino acid. No functional data are available. Prediction programs show conflicting results (Align GVGD:C0,polymorphism; Polyphen-2-HumDiv: possibly damaging; Polyphen-2-HumVar: benign; SIFT: tolerated; Mutation Taster: disease causing). Another variant affecting the same amino acid (p.ala561Thr) has been classified as variant of unknown significance. No data on segregation are available. In conclusion this variant was classified as a variant of unknown significance according to ACMG-guidelines (insufficient data, criteria for other classification are not met).

Molecular Diagnostic Laboratory for Inherited Cardiovascular Disease, Montreal Heart Institute
Classification: Uncertain significance for Primary familial hypertrophic cardiomyopathy. Last evaluated: 2017-07-04. Review status: criteria provided, single submitter. Criteria: ACMG Guidelines, 2015. Collection method: clinical testing. Allele origin: germline. Affected: yes.

Literature cited by the submitters: PubMed 35581137 (cited by Color Diagnostics, LLC DBA Color Health).

NM_016203.4(PRKAG2):c.1681G>C (p.Ala561Pro)

Gene: PRKAG2 (protein kinase AMP-activated non-catalytic subunit gamma 2; minus strand). Cytogenetic location: 7q36.1.
Variant type: single nucleotide variant.
Coding change: c.1681G>C on transcript NM_016203.4 (MANE Select); coding-DNA position 1681, G replaced by C.
Protein change: p.Ala561Pro; replaces alanine 561 with proline.
Molecular consequence: missense variant.
Genome position (GRCh38, 1-based): chr7:151,557,230, C>G on the plus strand (G>C on the coding strand, the complement: PRKAG2 is on the minus strand). VCF-style: chr7-151557230-C-G. GRCh37 (hg19) VCF-style: chr7-151254316-C-G.
Other names: c.1549G>C, p.Ala517Pro (NM_001040633.2); c.1306G>C, p.Ala436Pro (NM_001304527.2); c.958G>C, p.Ala320Pro (NM_001304531.2, NM_024429.2); c.1309G>C, p.Ala437Pro (NM_001363698.2); short protein forms A561P, A320P, A437P, A436P, A517P.
Identifiers: ClinVar variation 520490 (VCV000520490.16), dbSNP rs61744760, ClinGen allele CA056193.